The following is an entry in ClinVar:

ClinVar aggregate classification (germline): Uncertain significance. Review status: criteria provided, multiple submitters, no conflicts (2 of 4 stars). 2 submissions from 2 submitters: Uncertain significance (2). Last evaluated 2024-10-17.

Conditions:
Hereditary cancer-predisposing syndrome. Also called: Tumor predisposition; Hereditary neoplastic syndrome; Neoplastic Syndromes, Hereditary; Hereditary Cancer Syndrome. Identifiers: Orphanet 140162, MedGen C0027672, MeSH D009386, MONDO:0015356.
Hereditary diffuse gastric adenocarcinoma (HDGC). Also called: DIFFUSE GASTRIC AND LOBULAR BREAST CANCER SYNDROME. Identifiers: Orphanet 26106, MedGen C1708349, MONDO:0007648, OMIM 137215.

Submissions (2):

Labcorp Genetics (formerly Invitae), Labcorp
Classification: Uncertain significance for Hereditary diffuse gastric adenocarcinoma. Last evaluated: 2024-10-17. Review status: criteria provided, single submitter. Criteria: Invitae Variant Classification Sherloc (09022015). Collection method: clinical testing. Allele origin: germline.
Comment: This sequence change replaces glutamic acid, which is acidic and polar, with glutamine, which is neutral and polar, at codon 864 of the CDH1 protein (p.Glu864Gln). This variant is not present in population databases (gnomAD no frequency). This variant has not been reported in the literature in individuals affected with CDH1-related conditions. ClinVar contains an entry for this variant (Variation ID: 220461). An algorithm developed to predict the effect of missense changes on protein structure and function (PolyPhen-2) suggests that this variant is likely to be disruptive. In summary, the available evidence is currently insufficient to determine the role of this variant in disease. Therefore, it has been classified as a Variant of Uncertain Significance.

Ambry Genetics
Classification: Uncertain significance for Hereditary cancer-predisposing syndrome. Last evaluated: 2023-03-13. Review status: criteria provided, single submitter. Criteria: Ambry Variant Classification Scheme 2023. Collection method: clinical testing. Allele origin: germline.
Comment: The p.E864Q variant (also known as c.2590G>C), located in coding exon 16 of the CDH1 gene, results from a G to C substitution at nucleotide position 2590. The glutamic acid at codon 864 is replaced by glutamine, an amino acid with highly similar properties. This amino acid position is well conserved in available vertebrate species. In addition, the in silico prediction for this alteration is inconclusive. Since supporting evidence is limited at this time, the clinical significance of this alteration remains unclear.

NM_004360.5(CDH1):c.2590G>C (p.Glu864Gln)

Gene: CDH1 (cadherin 1; plus strand). Cytogenetic location: 16q22.1.
Variant type: single nucleotide variant.
Coding change: c.2590G>C on transcript NM_004360.5 (MANE Select); coding-DNA position 2590, G replaced by C.
Protein change: p.Glu864Gln; replaces glutamic acid 864 with glutamine.
Molecular consequence: missense variant.
Genome position (GRCh38, 1-based): chr16:68,833,440, G>C. VCF-style: chr16-68833440-G-C. GRCh37 (hg19) VCF-style: chr16-68867343-G-C.
Other names: c.2590G>C (LRG_301t1); c.2407G>C, p.Glu803Gln (NM_001317184.2); c.1042G>C, p.Glu348Gln (NM_001317185.2); c.625G>C, p.Glu209Gln (NM_001317186.2); short protein forms E864Q, E209Q, E803Q, E348Q.
Identifiers: ClinVar variation 220461 (VCV000220461.13), dbSNP rs142927667, ClinGen allele CA349188.
Genomic context (GRCh38, chr16:68,833,440, plus strand): 5'-AGTCTGAGCTCCCTGAACTCCTCAGAGTCAGACAAAGACCAGGACTATGACTACTTGAAC[G>C]AATGGGGCAATCGCTTCAAGAAGCTGGCTGACATGTACGGAGGCGGCGAGGACGACTAGG-3'
Protein context (NP_004351.1, residues 854-874): DKDQDYDYLN[Glu864Gln]WGNRFKKLAD